The following is an entry in ClinVar:

ClinVar aggregate classification (germline): Uncertain significance (1 of 4 stars; one submission).

gnomAD v4.1: 5 of 1,365,486 alleles (0.00037%); highest among the groups gnomAD compares: Non-Finnish European, 0.00052%; no homozygotes.

Submission:

Women's Health and Genetics/Laboratory Corporation of America, LabCorp
Classification: Uncertain significance. Last evaluated: 2025-05-05. Review status: criteria provided, single submitter. Criteria: LabCorp Variant Classification Summary - May 2015. Collection method: clinical testing. Allele origin: germline.
Comment: Variant summary: MPZ c.*22G>A is located in the untranslated mRNA region downstream of the termination codon. The variant allele was found at a frequency of 4.1e-06 in 241892 control chromosomes. The available data on variant occurrences in the general population are insufficient to allow any conclusion about variant significance. To our knowledge, no occurrence of c.*22G>A in individuals affected with Charcot-Marie-Tooth disease type 1B and no experimental evidence demonstrating its impact on protein function have been reported. No submitters have cited clinical-significance assessments for this variant to ClinVar. Based on the evidence outlined above, the variant was classified as uncertain significance.

NM_000530.8(MPZ):c.*22G>A

Gene: MPZ (myelin protein zero; minus strand). Cytogenetic location: 1q23.3.
Variant type: single nucleotide variant.
Coding change: c.*22G>A on transcript NM_000530.8 (MANE Select); 22 bases downstream of the stop codon, G replaced by A.
Molecular consequence: 3 prime UTR variant. On other transcripts: missense variant (1).
Genome position (GRCh38, 1-based): chr1:161,305,854, C>T on the plus strand (G>A on the coding strand, the complement: MPZ is on the minus strand). VCF-style: chr1-161305854-C-T. GRCh37 (hg19) VCF-style: chr1-161275644-C-T.
Other names: c.769G>A, p.Asp257Asn (NM_001315491.2); short protein forms D257N.
Identifiers: ClinVar variation 3902507 (VCV003902507.1).